The following is an entry in ClinVar:

ClinVar aggregate classification (germline): Uncertain significance. Review status: criteria provided, multiple submitters, no conflicts (2 of 4 stars). 2 submissions from 2 submitters: Uncertain significance (2). Last evaluated 2024-02-24.

Allele frequency attached by ClinVar (database versions not stated): gnomAD 0.00006 and 0.00008; TOPMed 0.00008; gnomAD exomes 0.00010; ExAC 0.00012; 1000 Genomes Project 30x 0.00016; 1000 Genomes Project 0.00020.

Submissions (2):

Labcorp Genetics (formerly Invitae), Labcorp
Classification: Uncertain significance. Last evaluated: 2024-02-24. Review status: criteria provided, single submitter. Criteria: Invitae Variant Classification Sherloc (09022015). Collection method: clinical testing. Allele origin: germline.
Comment: This sequence change replaces valine, which is neutral and non-polar, with methionine, which is neutral and non-polar, at codon 24 of the IFNAR2 protein (p.Val24Met). This variant is present in population databases (rs561488102, gnomAD 0.1%). This variant has not been reported in the literature in individuals affected with IFNAR2-related conditions. ClinVar contains an entry for this variant (Variation ID: 1394635). Algorithms developed to predict the effect of missense changes on protein structure and function output the following: SIFT: "Not Available"; PolyPhen-2: "Possibly Damaging"; Align-GVGD: "Not Available". The methionine amino acid residue is found in multiple mammalian species, which suggests that this missense change does not adversely affect protein function. In summary, the available evidence is currently insufficient to determine the role of this variant in disease. Therefore, it has been classified as a Variant of Uncertain Significance.

Ambry Genetics
Classification: Uncertain significance. Last evaluated: 2023-05-03. Review status: criteria provided, single submitter. Criteria: Ambry Variant Classification Scheme 2023. Collection method: clinical testing. Allele origin: germline.

NM_001289125.3(IFNAR2):c.70G>A (p.Val24Met)

Genes: IFNAR2 (interferon alpha and beta receptor subunit 2; plus strand), IFNAR2-IL10RB (IFNAR2-IL10RB readthrough; plus strand). Cytogenetic location: 21q22.11.
Variant type: single nucleotide variant.
Coding change: c.70G>A on transcript NM_001289125.3 (MANE Select); coding-DNA position 70, G replaced by A.
Protein change: p.Val24Met; replaces valine 24 with methionine.
Molecular consequence: missense variant.
Genome position (GRCh38, 1-based): chr21:33,243,687, G>A. VCF-style: chr21-33243687-G-A. GRCh37 (hg19) VCF-style: chr21-34615992-G-A.
Other names: c.70G>A, p.Val24Met (NM_000874.5, NM_001289126.2, NM_001289128.2 and 4 more transcripts); c.70G>A (NM_207585.1); short protein forms V24M.
Identifiers: ClinVar variation 1394635 (VCV001394635.9), dbSNP rs561488102, ClinGen allele CA10005532.